The following is an entry in ClinVar:

ClinVar aggregate classification (germline): Pathogenic (1 of 4 stars; one submission).

Conditions:
Methylmalonic aciduria, cblA type (MACA). Also called: Methylmalonic aciduria, vitamin B12-responsive; Methylmalonic aciduria, vitamin b12-responsive, due to defect in synthesis of adenosylcobalamin, cbla complementation type; MMA cbl A type; Methylmalonic acidemia cblA type; Vitamin B12-responsive methylmalonic acidemia type cblA. Identifiers: Orphanet 28, Orphanet 79310, MedGen C1855109, MONDO:0009613, OMIM 251100.

Submission:

Labcorp Genetics (formerly Invitae), Labcorp
Classification: Pathogenic for Methylmalonic aciduria, cblA type. Last evaluated: 2023-01-13. Review status: criteria provided, single submitter. Criteria: Invitae Variant Classification Sherloc (09022015). Collection method: clinical testing. Allele origin: germline.
Comment: This variant has not been reported in the literature in individuals affected with MMAA-related conditions. This variant is not present in population databases (gnomAD no frequency). This sequence change creates a premature translational stop signal (p.Tyr129*) in the MMAA gene. It is expected to result in an absent or disrupted protein product. Loss-of-function variants in MMAA are known to be pathogenic (PMID: 15523652, 15781192). For these reasons, this variant has been classified as Pathogenic.

Literature cited by the submitters: PubMed 15523652; PubMed 15781192.

NM_172250.3(MMAA):c.386dup (p.Tyr129Ter)

Gene: MMAA (metabolism of cobalamin associated A; plus strand). Cytogenetic location: 4q31.21.
Variant type: Duplication.
Coding change: c.386dup on transcript NM_172250.3 (MANE Select); coding-DNA position 386, one base duplicated (A; older notation c.386dupA).
Protein change: p.Tyr129Ter; replaces tyrosine 129 with a stop codon.
Molecular consequence: nonsense.
Genome position (GRCh38, 1-based): chr4:145,639,525, A duplicated. VCF-style (leftmost placement, unchanged base first): chr4-145639524-T-TA. GRCh37 (hg19) VCF-style: chr4-146560676-T-TA.
Other names: c.386dup, p.Tyr129Ter (NM_001375644.1); short protein forms Y129*.
Identifiers: ClinVar variation 2828093 (VCV002828093.3), dbSNP rs2546335891, ClinGen allele CA2739270313.